The following is an entry in ClinVar:

ClinVar aggregate classification (germline): Likely benign (1 of 4 stars; one submission).

Allele frequency attached by ClinVar (database versions not stated): 1000 Genomes Project 30x 0.01561; 1000 Genomes Project 0.01669; TOPMed 0.02365; gnomAD 0.02413 and 0.02443.
gnomAD v4.1: 2,721 of 111,292 alleles (2.4%); highest among the groups gnomAD compares: Non-Finnish European, 3.9%; 36 homozygotes.

Submission:

GeneDx
Classification: Likely benign. Last evaluated: 2018-06-14. Review status: criteria provided, single submitter. Criteria: GeneDx Variant Classification (06012015). Collection method: clinical testing. Allele origin: germline. Affected: yes.
Comment: This variant is considered likely benign or benign based on one or more of the following criteria: it is a conservative change, it occurs at a poorly conserved position in the protein, it is predicted to be benign by multiple in silico algorithms, and/or has population frequency not consistent with disease.

NM_004006.3(DMD):c.1332-293C>A

Gene: DMD (dystrophin; minus strand). Cytogenetic location: Xp21.1.
Variant type: single nucleotide variant.
Coding change: c.1332-293C>A on transcript NM_004006.3 (MANE Select); 293 bases into the intron before coding-DNA position 1332, C replaced by A.
Molecular consequence: intron variant.
Genome position (GRCh38, 1-based): chrX:32,614,746, G>T on the plus strand (C>A on the coding strand, the complement: DMD is on the minus strand). VCF-style: chrX-32614746-G-T. GRCh37 (hg19) VCF-style: chrX-32632863-G-T.
Other names: c.1308-293C>A (NM_000109.4); c.1320-293C>A (NM_004009.3); c.963-293C>A (NM_004010.3).
Identifiers: ClinVar variation 668560 (VCV000668560.1), dbSNP rs72468702, ClinGen allele CA328539646.